The following is an entry in ClinVar:

ClinVar aggregate classification (germline): Likely benign. Review status: criteria provided, multiple submitters, no conflicts (2 of 4 stars). 2 submissions from 2 submitters: Likely benign (2). Last evaluated 2024-10-14.

Allele frequency attached by ClinVar (database versions not stated): ExAC 0.00066.

Submissions (2):

Blueprint Genetics
Classification: Likely benign. Last evaluated: 2024-10-14. Review status: criteria provided, single submitter. Criteria: ACMG Guidelines, 2015. Collection method: clinical testing. Allele origin: germline.

CeGaT Center for Human Genetics Tuebingen
Classification: Likely benign. Last evaluated: 2022-05-01. Review status: criteria provided, single submitter. Criteria: CeGaT Center For Human Genetics Tuebingen Variant Classification Criteria Version 2. Collection method: clinical testing. Allele origin: germline. Affected: yes. Observed: 1 variant allele.
Comment: CCNK: BP4, BP7

NM_001099402.2(CCNK):c.1452G>A (p.Pro484=)

Genes: CCDC85C (coiled-coil domain containing 85C; minus strand), CCNK (cyclin K; plus strand). Cytogenetic location: 14q32.2.
Variant type: single nucleotide variant.
Coding change: c.1452G>A on transcript NM_001099402.2 (MANE Select); coding-DNA position 1452, G replaced by A.
Protein change: p.Pro484=; no amino-acid change (proline 484 retained).
Molecular consequence: synonymous variant. On other transcripts: 3 prime UTR variant (1).
Genome position (GRCh38, 1-based): chr14:99,510,491, G>A. VCF-style: chr14-99510491-G-A. GRCh37 (hg19) VCF-style: chr14-99976828-G-A.
Other names: c.*4755C>T (NM_001144995.2).
Identifiers: ClinVar variation 2644509 (VCV002644509.25), dbSNP rs770657868, ClinGen allele CA7340881.